The following is an entry in ClinVar:

NM_001382241.1(TNPO2):c.2651C>T (p.Pro884Leu)

Genes: TNPO2 (transportin 2; minus strand), LOC126862859 (CDK7 strongly-dependent group 2 enhancer GRCh37_chr19:12811952-12813151; plus strand). Cytogenetic location: 19p13.13.
Variant type: single nucleotide variant.
Coding change: c.2651C>T on transcript NM_001382241.1 (MANE Select); coding-DNA position 2651, C replaced by T.
Protein change: p.Pro884Leu; replaces proline 884 with leucine.
Molecular consequence: missense variant. On other transcripts: non-coding transcript variant (6).
Genome position (GRCh38, 1-based): chr19:12,701,389, G>A on the plus strand (C>T on the coding strand, the complement: TNPO2 is on the minus strand). VCF-style: chr19-12701389-G-A. GRCh37 (hg19) VCF-style: chr19-12812203-G-A.
Other names: c.2621C>T, p.Pro874Leu (NM_001136195.2, NM_001382236.1, NM_001382237.1 and 3 more transcripts); c.2651C>T, p.Pro884Leu (NM_001136196.2, NM_001382240.1, NM_001382242.1); c.2615C>T, p.Pro872Leu (NM_001382243.1); short protein forms P872L, P874L, P884L.
Identifiers: ClinVar variation 4883639 (VCV004883639.2).
Genomic context (GRCh38, chr19:12,701,389, plus strand): 5'-GCAGTCTCCATGATCACCTAGACCCCATAGAAAGCCGCCAGCCTCTCCTTGAGCAGCGGC[G>A]GGAATTGCTCAGAGAACTGCTGCCAGTTATCTTCCCCAACTTGGTCTTTGAAGCCGTGGA-3'
Protein context (NP_001369170.1, residues 874-894): DNWQQFSEQF[Pro884Leu]PLLKERLAAF

ClinVar aggregate classification (germline): Uncertain significance (1 of 4 stars; one submission).

Conditions:
Intellectual developmental disorder with hypotonia, impaired speech, and dysmorphic facies (IDDHISD). Identifiers: MedGen C5561997, MONDO:0859197, OMIM 619556.

Submission:

Dasa
Classification: Uncertain significance for Intellectual developmental disorder with hypotonia, impaired speech, and dysmorphic facies. Last evaluated: 2025-05-16. Review status: criteria provided, single submitter. Criteria: DASA Assertion Criteria. Collection method: clinical testing. Allele origin: germline.
Comment: NM_001382241.1(TNPO2):c.2651C>T (p.Pro884Leu) is a missense variant that results in the substitution of proline with leucine. This variant is rare in population databases. Computational prediction algorithms are consistent with a deleterious effect. The currently available literature and clinical evidence are not sufficient to establish a definitive association between this variant and the reported condition. Therefore, this variant is classified as a variant of uncertain significance.